The following is an entry in ClinVar:

ClinVar aggregate classification (germline): Uncertain significance (1 of 4 stars; one submission).

Conditions:
Hereditary cancer-predisposing syndrome. Also called: Neoplastic Syndromes, Hereditary; Tumor predisposition; Hereditary Cancer Syndrome; Hereditary neoplastic syndrome. Identifiers: Orphanet 140162, MedGen C0027672, MeSH D009386, MONDO:0015356.

Submission:

Ambry Genetics
Classification: Uncertain significance for Hereditary cancer-predisposing syndrome. Last evaluated: 2024-11-24. Review status: criteria provided, single submitter. Criteria: Ambry Variant Classification Scheme 2023. Collection method: clinical testing. Allele origin: germline.
Comment: The p.R494G variant (also known as c.1480A>G), located in coding exon 7 of the RET gene, results from an A to G substitution at nucleotide position 1480. The arginine at codon 494 is replaced by glycine, an amino acid with dissimilar properties. This amino acid position is conserved. In addition, this alteration is predicted to be tolerated by in silico analysis. Based on the available evidence, the clinical significance of this variant remains unclear.

NM_020975.6(RET):c.1480A>G (p.Arg494Gly)

Gene: RET (ret proto-oncogene; plus strand). Cytogenetic location: 10q11.21.
Variant type: single nucleotide variant.
Coding change: c.1480A>G on transcript NM_020975.6 (MANE Select); coding-DNA position 1480, A replaced by G.
Protein change: p.Arg494Gly; replaces arginine 494 with glycine.
Molecular consequence: missense variant. On other transcripts: intron variant (15).
Genome position (GRCh38, 1-based): chr10:43,111,423, A>G. VCF-style: chr10-43111423-A-G. GRCh37 (hg19) VCF-style: chr10-43606871-A-G.
Other names: c.497-676A>G (NM_001406783.1, NM_001406786.1); c.626-676A>G (NM_001406780.1, NM_001406779.1, NM_001406781.1 and 3 more transcripts); c.338-676A>G (NM_001406790.1, NM_001406788.1, NM_001406791.1 and 1 more transcripts); c.718A>G, p.Arg240Gly (NM_001355216.2); c.1480A>G, p.Arg494Gly (NM_001406743.1, NM_001406744.1, NM_001406759.1 and 4 more transcripts); c.1351A>G, p.Arg451Gly (NM_001406761.1, NM_001406762.1, NM_001406764.1 and 1 more transcripts); c.1192A>G, p.Arg398Gly (NM_001406766.1, NM_001406767.1, NM_001406770.1); c.1084A>G, p.Arg362Gly (NM_001406769.1, NM_001406772.1); and 5 more; short protein forms R164G, R451G, R494G, R252G, R348G, R362G, R398G, R240G.
Identifiers: ClinVar variation 3432298 (VCV003432298.1).